The following is an entry in ClinVar:

NM_004612.4(TGFBR1):c.457G>A (p.Val153Ile)

Gene: TGFBR1 (transforming growth factor beta receptor 1; plus strand). Cytogenetic location: 9q22.33.
Variant type: single nucleotide variant.
Coding change: c.457G>A on transcript NM_004612.4 (MANE Select); coding-DNA position 457, G replaced by A.
Protein change: p.Val153Ile; replaces valine 153 with isoleucine.
Molecular consequence: missense variant. On other transcripts: intron variant (1).
Genome position (GRCh38, 1-based): chr9:99,132,622, G>A. VCF-style: chr9-99132622-G-A. GRCh37 (hg19) VCF-style: chr9-101894904-G-A.
Other names: p.V153I:GTC>ATC; c.469G>A, p.Val157Ile (NM_001306210.2); c.343+3522G>A (NM_001130916.3); short protein forms V153I, V157I.
Identifiers: ClinVar variation 213868 (VCV000213868.66), dbSNP rs56014374, ClinGen allele CA042108.

ClinVar aggregate classification (germline): Benign/Likely benign. Review status: criteria provided, multiple submitters, no conflicts (2 of 4 stars). 20 submissions from 20 submitters: Benign (2); Likely benign (16). 2 of the submissions do not count toward it. Last evaluated 2026-09-01.

Conditions:
Ehlers-Danlos syndrome (EDS). Identifiers: Orphanet 98249, MedGen C0013720, MONDO:0020066.
Loeys-Dietz syndrome 1 (LDS1). Also called: AORTIC ANEURYSM, FAMILIAL THORACIC 5; TGFBR1-Related Loeys-Dietz Syndrome; FURLONG SYNDROME. Identifiers: Orphanet 60030, MedGen C4551955, MONDO:0012212, OMIM 609192.
Multiple self-healing squamous epithelioma (MSSE). Also called: MULTIPLE SELF-HEALING SQUAMOUS EPITHELIOMA, SUSCEPTIBILITY TO. Identifiers: Orphanet 65748, MedGen C0546476, MONDO:0007566, OMIM 132800.
Loeys-Dietz syndrome (LDS). Identifiers: Orphanet 60030, MedGen C2697932, MONDO:0018954.
Familial thoracic aortic aneurysm and aortic dissection (TAAD). Also called: Thoracic aortic aneurysms and dissections. Identifiers: Orphanet 91387, MedGen C4707243, MONDO:0019625.

Allele frequency attached by ClinVar (database versions not stated): 1000 Genomes Project 30x 0.00031; 1000 Genomes Project 0.00040; gnomAD exomes 0.00103 and 0.00202; ExAC 0.00110; gnomAD 0.00115 and 0.00117; TOPMed 0.00127; ESP Exome Variant Server 0.00138.

Submissions (20):

CeGaT Center for Human Genetics Tuebingen
Classification: Likely benign. Last evaluated: 2026-09-01. Review status: criteria provided, single submitter. Criteria: CeGaT Center For Human Genetics Tuebingen Variant Classification Criteria Version 2. Collection method: clinical testing. Allele origin: germline. Affected: yes. Observed: 23 variant alleles.
Comment: TGFBR1: BP4, BS1

Molecular Diagnostic Laboratory for Inherited Cardiovascular Disease, Montreal Heart Institute
Classification: Likely benign. Last evaluated: 2026-03-27. Review status: criteria provided, single submitter. Criteria: ACMG Guidelines, 2015. Collection method: clinical testing. Allele origin: germline. Affected: no.
Comment: BS1;BP4

Labcorp Genetics (formerly Invitae), Labcorp
Classification: Likely benign for Familial thoracic aortic aneurysm and aortic dissection. Last evaluated: 2026-02-04. Review status: criteria provided, single submitter. Criteria: Invitae Variant Classification Sherloc (09022015). Collection method: clinical testing. Allele origin: germline.

Mayo Clinic Laboratories, Mayo Clinic
Classification: Likely benign. Last evaluated: 2025-09-12. Review status: criteria provided, single submitter. Criteria: ACMG Guidelines, 2015. Collection method: clinical testing. Allele origin: germline. Observed: 11 variant alleles.
Comment: BS1, BP4_moderate

Blueprint Genetics
Classification: Likely benign. Last evaluated: 2024-10-18. Review status: criteria provided, single submitter. Criteria: ACMG Guidelines, 2015. Collection method: clinical testing. Allele origin: germline.

All of Us Research Program, National Institutes of Health
Classification: Likely benign for Loeys-Dietz syndrome. Last evaluated: 2024-09-23. Review status: criteria provided, single submitter. Criteria: ACMG Guidelines, 2015. Collection method: clinical testing. Allele origin: germline. Inheritance: Autosomal dominant inheritance. Observed: 441 variant alleles, 441 heterozygotes.
Comment: This study involves interpretation of variants in research participants for the purpose of population health screening. Participant phenotype was not available at the time of variant classification. Additional details can be found in publication PMID: 35346344, PMCID: PMC8962531

ARUP Laboratories, Molecular Genetics and Genomics, ARUP Laboratories
Classification: Likely benign. Last evaluated: 2024-03-25. Review status: criteria provided, single submitter. Criteria: ARUP Molecular Germline Variant Investigation Process 2024. Collection method: clinical testing. Allele origin: germline.

Genome Diagnostics Laboratory, The Hospital for Sick Children
Classification: Benign for Ehlers-Danlos syndrome. Last evaluated: 2022-06-27. Review status: criteria provided, single submitter. Criteria: ACMG Guidelines, 2015. Collection method: clinical testing. Allele origin: germline.

GeneDx
Classification: Likely benign. Last evaluated: 2021-06-25. Review status: criteria provided, single submitter. Criteria: GeneDx Variant Classification Process June 2021. Collection method: clinical testing. Allele origin: germline. Affected: yes.
Comment: This variant is associated with the following publications: (PMID: 25715477, 28655553, 34032567, 30809044)

Mendelics
Classification: Likely benign for Loeys-Dietz syndrome 1. Last evaluated: 2019-05-28. Review status: criteria provided, single submitter. Criteria: Mendelics Assertion Criteria 2017. Collection method: clinical testing. Allele origin: unknown.

Ambry Genetics
Classification: Likely benign for Familial thoracic aortic aneurysm and aortic dissection. Last evaluated: 2018-07-25. Review status: criteria provided, single submitter. Criteria: Ambry Variant Classification Scheme 2023. Collection method: clinical testing. Allele origin: germline.

Color Diagnostics, LLC DBA Color Health
Classification: Likely benign for Familial thoracic aortic aneurysm and aortic dissection. Last evaluated: 2018-03-16. Review status: criteria provided, single submitter. Criteria: ACMG Guidelines, 2015. Collection method: clinical testing. Allele origin: germline.

Illumina Laboratory Services, Illumina
Classification: Likely benign for Loeys-Dietz syndrome 1. Last evaluated: 2018-02-01. Review status: criteria provided, single submitter. Criteria: ICSL Variant Classification Criteria 13 December 2019. Collection method: clinical testing. Allele origin: germline.
Comment: This variant was observed as part of a predisposition screen in an ostensibly healthy population. A literature search was performed for the gene, cDNA change, and amino acid change (where applicable). No publications were found based on this search. Allele frequency data from public databases allowed determination this variant is unlikely to cause disease. Therefore, this variant is classified as likely benign.

CHEO Genetics Diagnostic Laboratory, Children's Hospital of Eastern Ontario
Classification: Benign for Familial thoracic aortic aneurysm and aortic dissection. Last evaluated: 2017-11-02. Review status: criteria provided, single submitter. Criteria: ACMG Guidelines, 2015. Collection method: clinical testing. Allele origin: germline.

Center for Human Genetics, Inc
Classification: Likely benign for Familial thoracic aortic aneurysm and aortic dissection. Last evaluated: 2016-11-01. Review status: criteria provided, single submitter. Criteria: ACMG Guidelines, 2015. Collection method: clinical testing. Allele origin: germline. Affected: yes.

Breakthrough Genomics
Classification: Likely benign. Review status: criteria provided, single submitter. Criteria: ACMG Guidelines, 2015. Collection method: not provided. Allele origin: germline. Inheritance: Autosomal dominant inheritance. Affected: yes.

Center for Genomics, Ann and Robert H. Lurie Children's Hospital of Chicago
Classification: Likely benign for Multiple self-healing squamous epithelioma; Loeys-Dietz syndrome 1. Review status: criteria provided, single submitter. Criteria: ACMG Guidelines, 2015. Collection method: clinical testing. Allele origin: germline.
Comment: TGFBR1 NM_004612.3 exon 3 p.Val153Ile (c.457G>A): This variant has been reported in the literature in one individual with vascular anomalies (Mattassi 2018 PMID:28655553). However, this variant is present in 0.1% (129/64576) of European alleles in the Genome Aggregation Database and is present in ClinVar, with several labs classifying this variant as benign or likely benign (Variation ID:213868). Evolutionary conservation and computational predictive tools suggest that this variant may not impact the protein. In summary, data on this variant suggests that this variant does not cause disease, but requires further evidence. Therefore this variant is classified as likely benign.

PreventionGenetics, part of Exact Sciences
Classification: Likely benign. Review status: criteria provided, single submitter. Criteria: ACMG Guidelines, 2015. Collection method: clinical testing. Allele origin: germline.

Clinical Genetics DNA and cytogenetics Diagnostics Lab, Erasmus MC, Erasmus Medical Center
Classification: Likely benign. Review status: no assertion criteria provided. Collection method: clinical testing. Allele origin: germline. Affected: yes. Study: VKGL Data-share Consensus. Not counted in ClinVar's aggregate classification.

Genome Diagnostics Laboratory, Amsterdam University Medical Center
Classification: Likely benign. Review status: no assertion criteria provided. Collection method: clinical testing. Allele origin: germline. Affected: yes. Study: VKGL Data-share Consensus. Not counted in ClinVar's aggregate classification.

Literature cited by the submitters: PubMed 28655553 (cited by Mayo Clinic Laboratories, Mayo Clinic and Ambry Genetics); PubMed 25715477 (cited by Ambry Genetics).